The following is an entry in ClinVar:

NM_002693.3(POLG):c.1452G>C (p.Trp484Cys)

Gene: POLG (DNA polymerase gamma, catalytic subunit; minus strand). Cytogenetic location: 15q26.1.
Variant type: single nucleotide variant.
Coding change: c.1452G>C on transcript NM_002693.3 (MANE Select); coding-DNA position 1452, G replaced by C.
Protein change: p.Trp484Cys; replaces tryptophan 484 with cysteine.
Molecular consequence: missense variant.
Genome position (GRCh38, 1-based): chr15:89,327,045, C>G on the plus strand (G>C on the coding strand, the complement: POLG is on the minus strand). VCF-style: chr15-89327045-C-G. GRCh37 (hg19) VCF-style: chr15-89870276-C-G.
Other names: c.1452G>C, p.Trp484Cys (NM_001126131.2); short protein forms W484C.
Identifiers: ClinVar variation 619315 (VCV000619315.1), dbSNP rs774879097, ClinGen allele CA10602192.
Genomic context (GRCh38, chr15:89,327,045, plus strand): 5'-CTTCACCTTCTTAGCTTTCTTCTGCTTAAATTCTTGCAGGTCCCACTCCAGGTCCCAGAG[C>G]CAGGGGTCTTCTTTGTACCTACAGAGCCAGTCCACTAGGGCAGGGCTAAGGCTAAGCCGA-3'
Protein context (NP_002684.1, residues 474-494): LSGERYKEDP[Trp484Cys]LWDLEWDLQE

ClinVar aggregate classification (germline): Uncertain significance (1 of 4 stars; one submission).

Conditions:
Progressive sclerosing poliodystrophy (MTDPS4A). Also called: Alpers-Huttenlocher Syndrome (AHS); Alpers Syndrome; ALPERS PROGRESSIVE INFANTILE POLIODYSTROPHY; Mitochondrial DNA depletion syndrome 4A (Alpers type); ALPERS DIFFUSE DEGENERATION OF CEREBRAL GRAY MATTER WITH HEPATIC CIRRHOSIS; Alpers-Huttenlocher Syndrome. Identifiers: Orphanet 726, MedGen C0205710, MONDO:0008758, OMIM 203700.

Submission:

Wong Mito Lab, Molecular and Human Genetics, Baylor College of Medicine
Classification: Uncertain significance for Progressive sclerosing poliodystrophy. Last evaluated: 2018-10-01. Review status: criteria provided, single submitter. Criteria: ACMG Guidelines, 2015. Collection method: clinical testing. Allele origin: germline.
Comment: The NM_002693.2:c.1452G>C (NP_002684.1:p.Trp484Cys) [GRCH38: NC_000015.10:g.89327045C>G] variant in POLG gene is interpretated to be a Uncertain Significance based on ACMG guidelines (PMID: 25741868). This variant meets the following evidence codes reported in the ACMG-guideline. PM2:This variant is absent in key population databases. PP2:This is a missense variant in POLG with a low rate of benign and high rate of pathogenic missense variations. PP3:Computational evidence/predictors indicate the variant has deleterious effect on POLG structure, function, or protein-protein interaction. Based on the evidence criteria codes applied, the variant is suggested to be Uncertain Significance.